The following is an entry in ClinVar:

ClinVar aggregate classification (germline): Pathogenic (1 of 4 stars; one submission).

Conditions:
Gorlin syndrome. Also called: Nevoid Basal Cell Carcinoma Syndrome; Basal cell nevus syndrome. Identifiers: Orphanet 377, MedGen C0004779, MONDO:0007187.

Submission:

Labcorp Genetics (formerly Invitae), Labcorp
Classification: Pathogenic for Gorlin syndrome. Last evaluated: 2017-09-16. Review status: criteria provided, single submitter. Criteria: Invitae Variant Classification Sherloc (09022015). Collection method: clinical testing. Allele origin: germline.
Comment: For these reasons, this variant has been classified as Pathogenic. Loss-of-function variants in PTCH1 are known to be pathogenic (PMID: 16301862, 16419085). This variant has not been reported in the literature in individuals with PTCH1-related disease. This variant is not present in population databases (ExAC no frequency). This sequence change creates a premature translational stop signal (p.Ala629Profs*64) in the PTCH1 gene. It is expected to result in an absent or disrupted protein product.

Literature cited by the submitters: PubMed 16301862; PubMed 16419085.

NM_000264.5(PTCH1):c.1885del (p.Ala629fs)

Genes: PTCH1 (patched 1; minus strand), LOC100507346 (uncharacterized LOC100507346; plus strand). Cytogenetic location: 9q22.32.
Variant type: Deletion.
Coding change: c.1885del on transcript NM_000264.5 (MANE Select); coding-DNA position 1885, one base deleted (G; older notation c.1885delG).
Protein change: p.Ala629fs; shifts the reading frame from alanine 629.
Molecular consequence: frameshift variant. On other transcripts: non-coding transcript variant (2).
Genome position (GRCh38, 1-based): chr9:95,469,116, C deleted on the plus strand (G on the coding strand, the reverse complement: PTCH1 is on the minus strand); the first of 2 consecutive C bases (chr9:95,469,116-95,469,117); deleting either gives the same sequence. VCF-style (leftmost placement, unchanged base first): chr9-95469115-GC-G. GRCh37 (hg19) VCF-style: chr9-98231397-GC-G.
Other names: c.1687del, p.Ala563fs (NM_001083602.3); c.1882del, p.Ala628fs (NM_001083603.3); c.1432del, p.Ala478fs (NM_001083604.3, NM_001083605.3, NM_001083606.3 and 1 more transcripts); c.1729del, p.Ala577fs (NM_001354918.2); short protein forms A628fs, A629fs, A577fs, A478fs, A563fs.
Identifiers: ClinVar variation 524562 (VCV000524562.7), dbSNP rs1554695251, ClinGen allele CA658797239.